The following is an entry in ClinVar:

ClinVar aggregate classification (germline): Uncertain significance (1 of 4 stars; one submission).

gnomAD v4.1: 19 of 1,614,160 alleles (0.0012%); highest among the groups gnomAD compares: South Asian, 0.0066%; no homozygotes.

Submission:

CeGaT Center for Human Genetics Tuebingen
Classification: Uncertain significance. Last evaluated: 2026-02-01. Review status: criteria provided, single submitter. Criteria: CeGaT Center For Human Genetics Tuebingen Variant Classification Criteria Version 2. Collection method: clinical testing. Allele origin: germline. Affected: yes. Observed: 1 variant allele.
Comment: SVIL: PM2, BP4

NM_021738.3(SVIL):c.5174C>T (p.Thr1725Ile)

Genes: SVIL (supervillin; minus strand), SVIL-AS1 (SVIL antisense RNA 1; plus strand). Cytogenetic location: 10p11.23.
Variant type: single nucleotide variant.
Coding change: c.5174C>T on transcript NM_021738.3 (MANE Select); coding-DNA position 5174, C replaced by T.
Protein change: p.Thr1725Ile; replaces threonine 1725 with isoleucine.
Molecular consequence: missense variant.
Genome position (GRCh38, 1-based): chr10:29,480,740, G>A on the plus strand (C>T on the coding strand, the complement: SVIL is on the minus strand). VCF-style: chr10-29480740-G-A. GRCh37 (hg19) VCF-style: chr10-29769669-G-A.
Other names: c.4244C>T, p.Thr1415Ile (NM_001323599.2); c.3992C>T, p.Thr1331Ile (NM_001323600.1); c.3896C>T, p.Thr1299Ile (NM_003174.3); short protein forms T1299I, T1331I, T1415I, T1725I.
Identifiers: ClinVar variation 4822134 (VCV004822134.4).
Genomic context (GRCh38, chr10:29,480,740, plus strand): 5'-CTCCTGTCGTGTCCTTCCACCAGGCCATAGCCACGGCCGACGTTCACTCCGTCCAGGATG[G>A]TGCCTGCTGTCGTCTGGGGCATGGACACCATCCGTGTCACATCGTATGCCTTGACATCAG-3'
Protein context (NP_068506.2, residues 1715-1735): MVSMPQTTAG[Thr1725Ile]ILDGVNVGRG